The following is an entry in ClinVar:

NM_001844.5(COL2A1):c.1493G>A (p.Gly498Asp)

Gene: COL2A1 (collagen type II alpha 1 chain; minus strand). Cytogenetic location: 12q13.11.
Variant type: single nucleotide variant.
Coding change: c.1493G>A on transcript NM_001844.5 (MANE Select); coding-DNA position 1493, G replaced by A.
Protein change: p.Gly498Asp; replaces glycine 498 with aspartic acid.
Molecular consequence: missense variant.
Genome position (GRCh38, 1-based): chr12:47,986,370, C>T on the plus strand (G>A on the coding strand, the complement: COL2A1 is on the minus strand). VCF-style: chr12-47986370-C-T. GRCh37 (hg19) VCF-style: chr12-48380153-C-T.
Other names: c.1286G>A, p.Gly429Asp (NM_033150.3); short protein forms G429D, G498D.
Identifiers: ClinVar variation 4747069 (VCV004747069.1).

ClinVar aggregate classification (germline): Pathogenic (1 of 4 stars; one submission).

Submission:

Labcorp Genetics (formerly Invitae), Labcorp
Classification: Pathogenic. Last evaluated: 2025-11-22. Review status: criteria provided, single submitter. Criteria: Invitae Variant Classification Sherloc (09022015). Collection method: clinical testing. Allele origin: germline.
Comment: This sequence change replaces glycine, which is neutral and non-polar, with aspartic acid, which is acidic and polar, at codon 498 of the COL2A1 protein (p.Gly498Asp). This variant is not present in population databases (gnomAD no frequency). This missense change has been observed in individual(s) with autosomal dominant Stickler syndrome (PMID: 34680973). Invitae Evidence Modeling of protein sequence and biophysical properties (such as structural, functional, and spatial information, amino acid conservation, physicochemical variation, residue mobility, and thermodynamic stability) indicates that this missense variant is expected to disrupt COL2A1 protein function with a positive predictive value of 95%. This variant disrupts the triple helix domain of COL2A1. Glycine residues within the Gly-Xaa-Yaa repeats of the triple helix domain are required for the structure and stability of fibrillar collagens (PMID: 7695699, 8218237, 19344236). In COL2A1, variants affecting these glycine residues are significantly enriched in individuals with disease (PMID: 9016532, 17078022) compared to the general population (ExAC). For these reasons, this variant has been classified as Pathogenic.

Literature cited by the submitters: PubMed 34680973; PubMed 7695699; PubMed 8218237; PubMed 19344236; PubMed 9016532; PubMed 17078022.